The following is an entry in ClinVar:

ClinVar aggregate classification (germline): Uncertain significance (1 of 4 stars; one submission).

Conditions:
Mosaic variegated aneuploidy syndrome 1 (MVA1). Also called: Warburton-Anyane-Yeboa syndrome. Identifiers: Orphanet 1052, MedGen C1850343, MONDO:0009759, OMIM 257300.

Allele frequency attached by ClinVar (database versions not stated): gnomAD 0.00003 and 0.00004; TOPMed 0.00004; ESP Exome Variant Server 0.00008.
gnomAD v4.1: 5 of 1,614,104 alleles (0.00031%); highest among the groups gnomAD compares: African/African-American, 0.0067%; no homozygotes.

Submission:

Labcorp Genetics (formerly Invitae), Labcorp
Classification: Uncertain significance for Mosaic variegated aneuploidy syndrome 1. Last evaluated: 2020-01-29. Review status: criteria provided, single submitter. Criteria: Invitae Variant Classification Sherloc (09022015). Collection method: clinical testing. Allele origin: germline.
Comment: In summary, the available evidence is currently insufficient to determine the role of this variant in disease. Therefore, it has been classified as a Variant of Uncertain Significance. Algorithms developed to predict the effect of missense changes on protein structure and function are either unavailable or do not agree on the potential impact of this missense change (SIFT: "Tolerated"; PolyPhen-2: "Probably Damaging"; Align-GVGD: "Class C0"). This variant has not been reported in the literature in individuals with BUB1B-related conditions. This variant is not present in population databases (ExAC no frequency). This sequence change replaces glutamine with arginine at codon 42 of the BUB1B protein (p.Gln42Arg). The glutamine residue is moderately conserved and there is a small physicochemical difference between glutamine and arginine.

NM_001211.6(BUB1B):c.125A>G (p.Gln42Arg)

Gene: BUB1B (BUB1 mitotic checkpoint serine/threonine kinase B; plus strand). Cytogenetic location: 15q15.1.
Variant type: single nucleotide variant.
Coding change: c.125A>G on transcript NM_001211.6 (MANE Select); coding-DNA position 125, A replaced by G.
Protein change: p.Gln42Arg; replaces glutamine 42 with arginine.
Molecular consequence: missense variant.
Genome position (GRCh38, 1-based): chr15:40,165,142, A>G. VCF-style: chr15-40165142-A-G. GRCh37 (hg19) VCF-style: chr15-40457343-A-G.
Other names: short protein forms Q42R.
Identifiers: ClinVar variation 1045130 (VCV001045130.10), dbSNP rs368079817, ClinGen allele CA268764759.